The following is an entry in ClinVar:

ClinVar aggregate classification (germline): Benign (1 of 4 stars; one submission).

Conditions:
Lynch syndrome 4 (LYNCH4). Also called: Colorectal cancer, hereditary nonpolyposis, type 4; Hereditary non-polyposis colorectal cancer, type 4. Identifiers: Orphanet 144, MedGen C1838333, MONDO:0013699, OMIM 614337. Disease mechanism: loss of function.

gnomAD v4.1: 1 of 1,447,506 alleles (0.000069%); highest among the groups gnomAD compares: Admixed American, 0.0017%; no homozygotes.

Submission:

Myriad Genetics, Inc.
Classification: Benign for Lynch syndrome 4. Last evaluated: 2025-01-28. Review status: criteria provided, single submitter. Criteria: Myriad Autosomal Dominant, Autosomal Recessive and X-Linked Classification Criteria (2023). Collection method: clinical testing. Allele origin: unknown.
Comment: This variant is considered benign. This variant is intronic and is not expected to impact mRNA splicing.

NM_000535.7(PMS2):c.804-28C>T

Gene: PMS2 (PMS1 homolog 2, mismatch repair system component; minus strand). Cytogenetic location: 7p22.1.
Variant type: single nucleotide variant.
Coding change: c.804-28C>T on transcript NM_000535.7 (MANE Select); 28 bases into the intron before coding-DNA position 804, C replaced by T.
Molecular consequence: intron variant.
Genome position (GRCh38, 1-based): chr7:5,995,661, G>A on the plus strand (C>T on the coding strand, the complement: PMS2 is on the minus strand). VCF-style: chr7-5995661-G-A. GRCh37 (hg19) VCF-style: chr7-6035292-G-A.
Other names: c.486-28C>T (NM_001322008.2, NM_001406902.1, NM_001406883.1 and 4 more transcripts); c.495-28C>T (NM_001406881.1, NM_001406879.1, NM_001322015.2 and 6 more transcripts); c.399-28C>T (NM_001406895.1, NM_001322010.2, NM_001322004.2 and 19 more transcripts); c.133-3604C>T (NM_001406911.1); c.291-28C>T (NM_001406904.1, NM_001406905.1); c.231-28C>T (NM_001322013.2, NM_001406909.1); c.-130-28C>T (NM_001322012.2, NM_001322011.2); c.468-28C>T (NM_001406885.1); and 8 more.
Identifiers: ClinVar variation 3903986 (VCV003903986.1).
Genomic context (GRCh38, chr7:5,995,661, plus strand): 5'-CCATGCGTGCATTGTGAAATGAAACCTGAGATGCTATTCAACATTAATATGGTAAGGGCA[G>A]GATTCCAGAGTGAAAGGGATTAGAAATACGATCACATGGCACATTCTTAAAGTGAAATGA-3'